The following continues an entry in ClinVar:

NM_024675.4(PALB2):c.3113G>A (p.Trp1038Ter)

Gene: PALB2. ClinVar aggregate classification (germline): Pathogenic. Pathogenic (1).

Submissions 23 to 40 of 43:

Institute for Biomarker Research, Medical Diagnostic Laboratories, L.L.C.
Classification: Pathogenic for Hereditary cancer-predisposing syndrome. Last evaluated: 2023-08-01. Review status: criteria provided, single submitter. Criteria: ACMG Guidelines, 2015. Collection method: clinical testing. Allele origin: germline. Not counted in ClinVar's aggregate classification.

Myriad Genetics, Inc.
Classification: Pathogenic for Familial cancer of breast. Last evaluated: 2023-03-31. Review status: criteria provided, single submitter. Criteria: Myriad Autosomal Dominant, Autosomal Recessive and X-Linked Classification Criteria (2023). Collection method: clinical testing. Allele origin: unknown. Not counted in ClinVar's aggregate classification.
Comment: This variant is considered pathogenic. This variant creates a termination codon and is predicted to result in premature protein truncation.

CHEO Genetics Diagnostic Laboratory, Children's Hospital of Eastern Ontario
Classification: Pathogenic for Breast and/or ovarian cancer. Last evaluated: 2022-09-13. Review status: criteria provided, single submitter. Criteria: ACMG Guidelines, 2015. Collection method: clinical testing. Allele origin: germline. Not counted in ClinVar's aggregate classification.

Greenwood Genetic Center Diagnostic Laboratories, Greenwood Genetic Center
Classification: Pathogenic for Familial cancer of breast. Last evaluated: 2022-07-11. Review status: criteria provided, single submitter. Criteria: ACMG Guidelines, 2015. Collection method: clinical testing. Allele origin: germline. Not counted in ClinVar's aggregate classification.
Comment: PVS1, PS4

AiLife Diagnostics
Classification: Pathogenic. Last evaluated: 2022-02-09. Review status: criteria provided, single submitter. Criteria: ACMG Guidelines, 2015. Collection method: clinical testing. Allele origin: germline. Affected: yes. Observed: 1 variant allele. Not counted in ClinVar's aggregate classification.

Genetic Services Laboratory, University of Chicago
Classification: Pathogenic. Last evaluated: 2021-01-15. Review status: criteria provided, single submitter. Criteria: ACMG Guidelines, 2015. Collection method: clinical testing. Allele origin: germline. Affected: yes. Not counted in ClinVar's aggregate classification.
Comment: DNA sequence analysis of the PALB2 gene demonstrated a sequence change, c.3113G>A, located in the consensus splice site of the exon. Functional studies have demonstrated that this sequence change affects normal splicing and creates different PALB2 transcripts in lymphoblastoid cells derived from individuals with breast cancer, including one with complete skipping of exon 10 (deletion of 117 bp), another with an alternative splice site within exon 10 (out-of-frame deletion of 31 bp), and one which results in an immediate stop at amino acid position 1038 (p.Trp1038*) (PMID: 21285249, 23448497). The p.Trp1038* change has been reported in individuals and families with breast cancer, with evidence of co-segregation with disease (PMID: 17200668, 21182766, 21285249, 23471749). This sequence change has been observed in the gnomAD database with a frequency of 0.011% in the European sub-population (dbSNP rs180177132). These collective evidences suggest that this sequence change is pathogenic.

Department of Pathology and Laboratory Medicine, Sinai Health System
Classification: Pathogenic for Breast-ovarian cancer, familial, susceptibility to, 5. Last evaluated: 2020-04-29. Review status: criteria provided, single submitter. Criteria: ACMG Guidelines, 2015. Collection method: clinical testing. Allele origin: germline. Affected: yes. Not counted in ClinVar's aggregate classification.

GeneDx
Classification: Pathogenic. Last evaluated: 2020-02-11. Review status: criteria provided, single submitter. Criteria: GeneDx Variant Classification Process June 2021. Collection method: clinical testing. Allele origin: germline. Affected: yes. Not counted in ClinVar's aggregate classification.
Comment: Observed in multiple individuals with a personal and/or family history of breast cancer and is considered a pathogenic founder variant in the British population (Rahman 2007, Southey 2010, Wong 2011, Teo 2013, Hartley 2014, Southey 2016, Winship 2016); Published functional studies demonstrate a damaging effect: reduced RAD51 foci formation, abnormal cellular localization, diminished homology repair efficiency, weak protein expression (Pauty 2017, Boonen 2019); This variant is associated with the following publications: (PMID: 21165770, 17200668, 21409391, 23471749, 18302019, 19264984, 22241545, 26283626, 24206657, 25099575, 19763819, 26250988, 23787919, 23448497, 26786923, 27621404, 25575445, 28158555, 32081490, 32581362, 25525159, 25225577, 24415441, 23935381, 21932393, 24870022, 20346647, 24556926, 24136930, 24061862, 26534844, 25356972, 17200671, 21182766, 21285249, 26787237, 27547810, 27595995, 28019080, 28135136, 27099641, 26985847, 27296296, 27433846, 26681312, 26315354, 28864920, 28779002, 29431189, 29909963, 30665703, 29961768, 30322717, 31090900, 31757951, 31263054, 29625052, 26689913, 32426482, 31447099, 32832836, 32338768)

Illumina Laboratory Services, Illumina
Classification: Pathogenic for PALB2-Related Disorders. Last evaluated: 2018-09-19. Review status: criteria provided, single submitter. Criteria: ICSL Variant Classification Criteria 09 May 2019. Collection method: clinical testing. Allele origin: germline. Not counted in ClinVar's aggregate classification.
Comment: The PALB2 c.3113G>A (p.Trp1038Ter) variant is a stop-gained variant that is predicted to result in a premature termination of the protein. Across a selection of the available literature, the c.3113G>A (p.Trp1038Ter) variant has been identified in a heterozygous state in at least 21 probands from 13 unrelated families (Rahman et al. 2007; Southey et al. 2010; Teo et al. 2013; Hartley et al. 2014). Affected individuals were found to have a variety of cancers including breast, ovarian, and pancreatic. The p.Trp1038Ter variant was absent from 1724 healthy control subjects and is reported at a frequency of 0.000125 in the African population of the Genome Aggregation Database. Experimental studies on RNA isolated from patient derived lymphoblastoid cell lines have shown that the p.Trp1038Ter variant caused altered splicing (Casadei et al. 2011; Teo et al. 2013). Although this variant has not been reported in any probands with Fanconi anemia, it is known that PALB2 heterozygous variants can also confer carrier status for Fanconi anemia. Due to the potential impact of stop-gained variants and the evidence from the literature, this variant is classified as pathogenic for PALB2-related disorders. This variant was observed by ICSL as part of a predisposition screen in an ostensibly healthy population.

Eurofins Ntd Llc (ga)
Classification: Pathogenic. Last evaluated: 2018-03-06. Review status: criteria provided, single submitter. Criteria: EGL ClinVar v180209 classification definitions. Collection method: clinical testing. Allele origin: germline. Observed: 3 variant alleles, 3 heterozygotes. Not counted in ClinVar's aggregate classification.

Academic Department of Medical Genetics, University of Cambridge
Classification: Pathogenic for Hereditary cancer-predisposing syndrome. Last evaluated: 2018-01-26. Review status: criteria provided, single submitter. Criteria: ACMG Guidelines, 2015. Collection method: research. Allele origin: germline. Affected: yes. Observed: 4 heterozygotes. Clinical features observed: Cutaneous melanoma (HP:0012056), Breast carcinoma (HP:0003002), Anal canal squamous cell carcinoma (HP:0030438), Malignant tumor of prostate (HP:0012125). Not counted in ClinVar's aggregate classification.
Comment: Application of AMCG guidelines 2015. Used other ClinVar submission evidence where relevant. Loss of heterozygosity in tumours or immunohistochemistry abnormalities considered functional evidence of pathogenicity.

Identified as part of research study of individuals with multiple primary tumours referred for genetic assessment

Women's Health and Genetics/Laboratory Corporation of America, LabCorp
Classification: Pathogenic for Hereditary breast ovarian cancer syndrome. Last evaluated: 2017-05-08. Review status: criteria provided, single submitter. Criteria: LabCorp Variant Classification Summary - May 2015. Collection method: clinical testing. Allele origin: germline. Not counted in ClinVar's aggregate classification.

Human Genome Sequencing Center Clinical Lab, Baylor College of Medicine
Classification: Pathogenic for Familial cancer of breast. Last evaluated: 2017-04-03. Review status: criteria provided, single submitter. Criteria: ACMG Guidelines, 2015. Collection method: clinical testing. Allele origin: germline. Not counted in ClinVar's aggregate classification.
Comment: This c.3113G>A (p.Trp1038*) variant has previously been reported in 16 (out of 4,178 total) patients with breast cancer [PMID 17200668, 21285249, 25575445, 23448497, 26283626, 21409391, 23471749]. The cumulative risk for carrier of this variant was estimated as 91% by age 70 with a median age of onset of 42 years old reported in an Australian population [PMID 23471749]. This c.3113G>A is located in exon 10 of the PALB2 gene at the exon/intron junction with intron 10. Transcripts analysis showed that this variant not only produces a stop codon at amino acid position 1038 but also produces two additional PALB2 transcripts including an alternative splicing and a complete deletion of exon 10, all three leading to a loss of function of the protein [PMID 23471749]. The c.3113G>A (p.Trp1038*) variant has been observed in two Europeans and one African individual at the heterozygous state in the ExAC population database. It is thus interpreted as a pathogenic variant.

University of Washington Department of Laboratory Medicine, University of Washington
Classification: Pathogenic for Hereditary cancer-predisposing syndrome. Last evaluated: 2015-11-20. Review status: criteria provided, single submitter. Criteria: Shirts et al. (Genet Med 2016). Collection method: clinical testing. Allele origin: germline. Affected: yes. Observed: 1 variant allele. Not counted in ClinVar's aggregate classification.

Cancer Genetics Laboratory, Peter MacCallum Cancer Centre
Classification: Likely pathogenic for Familial cancer of breast. Last evaluated: 2015-06-01. Review status: criteria provided, single submitter. Criteria: Thompson et al. (Breast Cancer Res. 2015). Collection method: case-control. Allele origin: germline. Affected: yes and no. Observed: 8 variant alleles, 8 heterozygotes. Not counted in ClinVar's aggregate classification.

Leiden Open Variation Database
Classification: Pathogenic. Last evaluated: 2019-09-30. Review status: no assertion criteria provided. Collection method: curation. Allele origin: germline. Affected: no. Not counted in ClinVar's aggregate classification.
Comment: Curators: Marc Tischkowitz, Arleen D. Auerbach. Submitters to LOVD: James Whitworth, kConFab - Heather Thorne, Marc Tischkowitz.

King Laboratory, University of Washington
Classification: Pathogenic for Familial cancer of breast; Hereditary cancer-predisposing syndrome. Last evaluated: 2019-09-01. Review status: no assertion criteria provided. Collection method: research. Allele origin: germline. Affected: yes. Not counted in ClinVar's aggregate classification.
Comment: Transcript analysis by cBROCA

Counsyl
Classification: Pathogenic for Familial cancer of breast. Last evaluated: 2016-03-18. Review status: no assertion criteria provided. Collection method: clinical testing. Allele origin: unknown. Not counted in ClinVar's aggregate classification.